The following is an entry in ClinVar:

NM_004360.5(CDH1):c.1319del (p.Lys440fs)

Gene: CDH1 (cadherin 1; plus strand). Cytogenetic location: 16q22.1.
Variant type: Deletion.
Coding change: c.1319del on transcript NM_004360.5 (MANE Select); coding-DNA position 1319, one base deleted (A; older notation c.1319delA).
Protein change: p.Lys440fs; shifts the reading frame from lysine 440.
Molecular consequence: frameshift variant. On other transcripts: 5 prime UTR variant (2), intron variant (1).
Genome position (GRCh38, 1-based): chr16:68,813,494, A deleted; the last of 3 consecutive A bases (chr16:68,813,492-68,813,494); deleting any one gives the same sequence. VCF-style (leftmost placement, unchanged base first): chr16-68813491-CA-C. GRCh37 (hg19) VCF-style: chr16-68847394-CA-C.
Other names: c.-297del (NM_001317185.2); c.-501del (NM_001317186.2); c.1137+1231del (NM_001317184.2); short protein forms K440fs.
Identifiers: ClinVar variation 2431768 (VCV002431768.1), dbSNP rs2543927296, ClinGen allele CA2580091947.

ClinVar aggregate classification (germline): Likely pathogenic (1 of 4 stars; one submission).

Conditions:
Hereditary diffuse gastric adenocarcinoma (HDGC). Also called: DIFFUSE GASTRIC AND LOBULAR BREAST CANCER SYNDROME. Identifiers: Orphanet 26106, MedGen C1708349, MONDO:0007648, OMIM 137215.

Submission:

Laboratorio de Genetica e Diagnostico Molecular, Hospital Israelita Albert Einstein
Classification: Likely pathogenic for Hereditary diffuse gastric adenocarcinoma. Last evaluated: 2022-11-11. Review status: criteria provided, single submitter. Criteria: ACMG Guidelines, 2015. Collection method: clinical testing. Allele origin: germline. Affected: yes. Observed: 1 variant allele.
Comment: ACMG classification criteria: PVS1 very strong, PM2 moderated